The following is an entry in ClinVar:

ClinVar aggregate classification (germline): Uncertain significance (1 of 4 stars; one submission).

Conditions:
Frontotemporal dementia and/or amyotrophic lateral sclerosis 6 (FTDALS6). Also called: VCP-Related Amyotrophic Lateral Sclerosis; VCP-Related Amyotrophic Lateral Sclerosis/Frontotemporal Dementia. Identifiers: Orphanet 275872, Orphanet 803, MedGen C5436279, MONDO:0013501, OMIM 613954.
Inclusion body myopathy with Paget disease of bone and frontotemporal dementia. Also called: Inclusion body myopathy with early-onset Paget disease and frontotemporal dementia. Identifiers: Orphanet 52430, MedGen C1833662, MONDO:0000507.

Submission:

Labcorp Genetics (formerly Invitae), Labcorp
Classification: Uncertain significance for Inclusion body myopathy with Paget disease of bone and frontotemporal dementia; Frontotemporal dementia and/or amyotrophic lateral sclerosis 6. Last evaluated: 2022-09-13. Review status: criteria provided, single submitter. Criteria: Invitae Variant Classification Sherloc (09022015). Collection method: clinical testing. Allele origin: germline.
Comment: This sequence change replaces cysteine, which is neutral and slightly polar, with arginine, which is basic and polar, at codon 105 of the VCP protein (p.Cys105Arg). This variant is not present in population databases (gnomAD no frequency). This variant has not been reported in the literature in individuals affected with VCP-related conditions. ClinVar contains an entry for this variant (Variation ID: 960799). Advanced modeling of protein sequence and biophysical properties (such as structural, functional, and spatial information, amino acid conservation, physicochemical variation, residue mobility, and thermodynamic stability) performed at Invitae indicates that this missense variant is not expected to disrupt VCP protein function. In summary, the available evidence is currently insufficient to determine the role of this variant in disease. Therefore, it has been classified as a Variant of Uncertain Significance.

NM_007126.5(VCP):c.313T>C (p.Cys105Arg)

Gene: VCP (valosin containing protein; minus strand). Cytogenetic location: 9p13.3.
Variant type: single nucleotide variant.
Coding change: c.313T>C on transcript NM_007126.5 (MANE Select); coding-DNA position 313, T replaced by C.
Protein change: p.Cys105Arg; replaces cysteine 105 with arginine.
Molecular consequence: missense variant.
Genome position (GRCh38, 1-based): chr9:35,066,807, A>G on the plus strand (T>C on the coding strand, the complement: VCP is on the minus strand). VCF-style: chr9-35066807-A-G. GRCh37 (hg19) VCF-style: chr9-35066804-A-G.
Other names: c.178T>C, p.Cys60Arg (NM_001354927.2, NM_001354928.2); short protein forms C105R, C60R.
Identifiers: ClinVar variation 960799 (VCV000960799.6), dbSNP rs1828842736, ClinGen allele CA373292734.